The following is an entry in ClinVar:

NM_000443.4(ABCB4):c.1270A>G (p.Thr424Ala)

Gene: ABCB4 (ATP binding cassette subfamily B member 4; minus strand). Cytogenetic location: 7q21.12.
Variant type: single nucleotide variant.
Coding change: c.1270A>G on transcript NM_000443.4 (MANE Select); coding-DNA position 1270, A replaced by G.
Protein change: p.Thr424Ala; replaces threonine 424 with alanine.
Molecular consequence: missense variant.
Genome position (GRCh38, 1-based): chr7:87,443,405, T>C on the plus strand (A>G on the coding strand, the complement: ABCB4 is on the minus strand). VCF-style: chr7-87443405-T-C. GRCh37 (hg19) VCF-style: chr7-87072721-T-C.
Other names: c.1270A>G, p.Thr424Ala (NM_018849.3, NM_018850.3); short protein forms T424A.
Identifiers: ClinVar variation 4846634 (VCV004846634.1).

ClinVar aggregate classification (germline): Uncertain significance (1 of 4 stars; one submission).

Conditions:
Familial intrahepatic cholestasis. Identifiers: Orphanet 284385, MedGen CN296401, MONDO:0017290.

gnomAD v4.1: 2 of 1,613,966 alleles (0.00012%); highest among the groups gnomAD compares: Non-Finnish European, 0.00017%; no homozygotes.

Submission:

Genomenon, Inc
Classification: Uncertain significance for Familial intrahepatic cholestasis. Last evaluated: 2026-04-14. Review status: criteria provided, single submitter. Criteria: Genomenon Sequence Variant Interpretation Standards - Updated. Collection method: curation. Allele origin: germline. Affected: yes.
Comment: ABCB4 p.Thr424Ala (c.1270A>G) is a missense variant that changes the amino acid at residue 424 from Threonine to Alanine. This variant has been observed in at least one proband with an ABCB4-related disorder (PMID:26474921). Functional studies have been reported (PMID:32626542;26474921). It is absent or not present at a significant frequency in gnomAD. In silico models predict that this variant is possibly or probably damaging. In conclusion, we classify ABCB4 p.Thr424Ala (c.1270A>G) as a variant of uncertain significance.

Literature cited by the submitters: PubMed 26474921; PubMed 32626542.